The following is an entry in ClinVar:

NM_002435.3(MPI):c.655C>T (p.Arg219Trp)

Gene: MPI (mannose phosphate isomerase; plus strand). Cytogenetic location: 15q24.1.
Variant type: single nucleotide variant.
Coding change: c.655C>T on transcript NM_002435.3 (MANE Select); coding-DNA position 655, C replaced by T.
Protein change: p.Arg219Trp; replaces arginine 219 with tryptophan.
Molecular consequence: missense variant. On other transcripts: intron variant (1).
Genome position (GRCh38, 1-based): chr15:74,893,305, C>T. VCF-style: chr15-74893305-C-T. GRCh37 (hg19) VCF-style: chr15-75185646-C-T.
Other names: c.655C>T, p.Arg219Trp (NM_001289155.2); c.505C>T, p.Arg169Trp (NM_001289156.2); c.595C>T, p.Arg199Trp (NM_001330372.2); c.487+503C>T (NM_001289157.2); short protein forms R169W, R199W, R219W.
Identifiers: ClinVar variation 4815042 (VCV004815042.1).
Genomic context (GRCh38, chr15:74,893,305, plus strand): 5'-TCCCACCTGATGAAGAGTGAGAAGAAGGTGGTGGTGGAACAGCTCAACCTGTTGGTGAAG[C>T]GGATCTCCCAGCAAGGTGGACACAGTTATATTCCTGGTTGGGTGCAATGCTCTGGCCTGG-3'
Protein context (NP_002426.1, residues 209-229): VVEQLNLLVK[Arg219Trp]ISQQAAAGNN

ClinVar aggregate classification (germline): Likely pathogenic (1 of 4 stars; one submission).

Conditions:
MPI-congenital disorder of glycosylation. Also called: CONGENITAL DISORDER OF GLYCOSYLATION, TYPE Ib; CDG Ib; MANNOSEPHOSPHATE ISOMERASE DEFICIENCY; PROTEIN-LOSING ENTEROPATHY-HEPATIC FIBROSIS SYNDROME; MPI-CDG; MPI DEFICIENCY. Identifiers: Orphanet 79319, MedGen C1865145, MONDO:0011257, OMIM 602579.

Submission:

Natera, Inc.
Classification: Likely pathogenic for Congenital disorder of glycosylation type 1b. Last evaluated: 2025-08-26. Review status: criteria provided, single submitter. Criteria: Natera Variant Classification Schema (03/2026). Collection method: clinical testing. Allele origin: germline.
Comment: The c.655C>T variant in MPI is a missense variant predicted to cause substitution of arginine to tryptophan at amino acid 219. This variant is rare in the general population with a frequency below the threshold expected for the associated phenotype(s). This variant has been observed in one or more individuals affected with the associated recessive disease, as either homozygous or compound heterozygous with a second variant (PMID: 32905087, 33098580). A different variant at the same position has been determined to be Pathogenic or Likely Pathogenic. Computational prediction algorithms indicate this variant is likely to affect gene or protein function. Given the available evidence, this variant is classified as Likely Pathogenic.

Literature cited by the submitters: PubMed 32905087; PubMed 33098580.